The following is an entry in ClinVar:

ClinVar aggregate classification (germline): Uncertain significance (1 of 4 stars; one submission).

Conditions:
Inborn genetic diseases. Identifiers: MedGen C0950123, MeSH D030342.

Submission:

Ambry Genetics
Classification: Uncertain significance for Inborn genetic diseases. Last evaluated: 2025-09-25. Review status: criteria provided, single submitter. Criteria: Ambry Variant Classification Scheme 2023. Collection method: clinical testing. Allele origin: germline.
Comment: The p.M1406V variant (also known as c.4216A>G), located in coding exon 13 of the ASXL1 gene, results from an A to G substitution at nucleotide position 4216. The methionine at codon 1406 is replaced by valine, an amino acid with highly similar properties. This amino acid position is conserved. In addition, this alteration is predicted to be tolerated by in silico analysis. Based on the available evidence, the clinical significance of this variant remains unclear.

NM_015338.6(ASXL1):c.4216A>G (p.Met1406Val)

Gene: ASXL1 (ASXL transcriptional regulator 1; plus strand). Cytogenetic location: 20q11.21.
Variant type: single nucleotide variant.
Coding change: c.4216A>G on transcript NM_015338.6 (MANE Select); coding-DNA position 4216, A replaced by G.
Protein change: p.Met1406Val; replaces methionine 1406 with valine.
Molecular consequence: missense variant.
Genome position (GRCh38, 1-based): chr20:32,436,928, A>G. VCF-style: chr20-32436928-A-G. GRCh37 (hg19) VCF-style: chr20-31024731-A-G.
Other names: c.4033A>G, p.Met1345Val (NM_001363734.1); short protein forms M1345V, M1406V.
Identifiers: ClinVar variation 4587336 (VCV004587336.1).
Genomic context (GRCh38, chr20:32,436,928, plus strand): 5'-AAAGCTACTGGGCATAGTCCCCTGGAACTGGTGGGTCACTTGGAAGGGATGCCCTTTGTC[A>G]TGGACTTGCCCTTCTGGAAATTACCCCGAGAGCCAGGGAAGGGGCTCAGTGAGCCTCTGG-3'
Protein context (NP_056153.2, residues 1396-1416): VGHLEGMPFV[Met1406Val]DLPFWKLPRE